The following is an entry in ClinVar:

NM_001267550.2(TTN):c.90762del (p.Gly30255fs)

Genes: TTN (titin; minus strand), TTN-AS1 (TTN antisense RNA 1; plus strand). Cytogenetic location: 2q31.2.
Variant type: Deletion.
Coding change: c.90762del on transcript NM_001267550.2 (MANE Select); coding-DNA position 90762, one base deleted (A; older notation c.90762delA).
Protein change: p.Gly30255fs; shifts the reading frame from glycine 30255.
Molecular consequence: frameshift variant.
Genome position (GRCh38, 1-based): chr2:178,552,138, T deleted on the plus strand (A on the coding strand, the reverse complement: TTN is on the minus strand). VCF-style (leftmost placement, unchanged base first): chr2-178552137-CT-C. GRCh37 (hg19) VCF-style: chr2-179416864-CT-C.
Other names: c.85839del, p.Gly28614fs (NM_001256850.1); c.63567del, p.Gly21190fs (NM_003319.4); c.83058del, p.Gly27687fs (NM_133378.4); c.63942del, p.Gly21315fs (NM_133432.3); c.64143del, p.Gly21382fs (NM_133437.4); c.63567delA (NM_003319.4); short protein forms G28614fs, G21190fs, G27687fs, G21315fs, G21382fs, G30255fs.
Identifiers: ClinVar variation 3812264 (VCV003812264.1).

ClinVar aggregate classification (germline): Likely pathogenic (1 of 4 stars; one submission).

Conditions:
Cardiovascular phenotype. Identifiers: MedGen CN230736.

Submission:

Ambry Genetics
Classification: Likely pathogenic for Cardiovascular phenotype. Last evaluated: 2025-01-28. Review status: criteria provided, single submitter. Criteria: Ambry Variant Classification Scheme 2023. Collection method: clinical testing. Allele origin: germline.
Comment: The c.63567delA variant, located in coding exon 162 of the TTN gene, results from a deletion of one nucleotide at nucleotide position 63567, causing a translational frameshift with a predicted alternate stop codon (p.G21190Efs*35). This exon is located in the A-band region of the N2-B isoform of the titin protein and is constitutively expressed in TTN transcripts (percent spliced in or PSI 100%). This variant is considered to be rare based on population cohorts in the Genome Aggregation Database (gnomAD). This alteration is expected to result in loss of function by premature protein truncation or nonsense-mediated mRNA decay. While truncating variants in TTN are present in 1-3% of the general population, truncating variants in the A-band are the most common cause of dilated cardiomyopathy (DCM) (Herman DS et al. N. Engl. J. Med., 2012 Feb;366:619-28; Roberts AM et al. Sci Transl Med, 2015 Jan;7:270ra6). TTN truncating variants encoded in constitutive exons (PSI >90%) have been found to be significantly associated with DCM regardless of their position in titin (Schafer S et al. Nat. Genet., 2017 01;49:46-53). Based on the majority of available evidence to date, this variant is likely to be pathogenic.